The following is an entry in ClinVar:

ClinVar aggregate classification (germline): Conflicting classifications of pathogenicity. Review status: criteria provided, conflicting classifications (1 of 4 stars). 2 submissions from 2 submitters: Uncertain significance (1); Likely benign (1). Last evaluated 2026-04-28.

Conditions:
Inborn genetic diseases. Identifiers: MedGen C0950123, MeSH D030342.
PEX10-related disorder. Also called: PEX10-related condition.

gnomAD v4.1: 4 of 1,614,040 alleles (0.00025%); highest among the groups gnomAD compares: Admixed American, 0.0033%; no homozygotes.

Submissions (2):

PreventionGenetics, part of Exact Sciences
Classification: Uncertain significance for PEX10-related condition. Last evaluated: 2026-04-28. Review status: criteria provided, single submitter. Criteria: ACMG Guidelines, 2015. Collection method: clinical testing. Allele origin: germline.
Comment: The PEX10 c.254A>G variant is predicted to result in the amino acid substitution p.His85Arg. To our knowledge, this variant has not been reported in the literature. This variant is reported in 0.0029% of alleles in individuals of Latino descent in gnomAD. At this time, the clinical significance of this variant is uncertain due to the absence of conclusive functional and genetic evidence.

Ambry Genetics
Classification: Likely benign for Inborn genetic diseases. Last evaluated: 2024-09-26. Review status: criteria provided, single submitter. Criteria: Ambry Variant Classification Scheme 2023. Collection method: clinical testing. Allele origin: germline.

NM_002617.4(PEX10):c.254A>G (p.His85Arg)

Gene: PEX10 (peroxisomal biogenesis factor 10; minus strand). Cytogenetic location: 1p36.32.
Variant type: single nucleotide variant.
Coding change: c.254A>G on transcript NM_002617.4 (MANE Select); coding-DNA position 254, A replaced by G.
Protein change: p.His85Arg; replaces histidine 85 with arginine.
Molecular consequence: missense variant. On other transcripts: 5 prime UTR variant (2), non-coding transcript variant (1).
Genome position (GRCh38, 1-based): chr1:2,408,798, T>C on the plus strand (A>G on the coding strand, the complement: PEX10 is on the minus strand). VCF-style: chr1-2408798-T-C. GRCh37 (hg19) VCF-style: chr1-2340237-T-C.
Other names: c.254A>G, p.His85Arg (NM_001374425.1, NM_153818.2); c.-179A>G (NM_001374426.1, NM_001374427.1); short protein forms H85R.
Identifiers: ClinVar variation 3417076 (VCV003417076.2).